The following is an entry in ClinVar:

ClinVar aggregate classification (germline): Uncertain significance (1 of 4 stars; one submission).

Conditions:
NRP1-related disorder. Also called: NRP1-related condition.

Submission:

PreventionGenetics, part of Exact Sciences
Classification: Uncertain significance for NRP1-related condition. Last evaluated: 2026-09-01. Review status: criteria provided, single submitter. Criteria: ACMG Guidelines, 2015. Collection method: clinical testing. Allele origin: germline.
Comment: The NRP1 c.1304T>A variant is predicted to result in premature protein termination (p.Leu435*). To our knowledge, this variant has not been reported in the literature or in a large population database (gnomAD), indicating this variant is rare. At this time, the clinical significance of this variant is uncertain due to the absence of conclusive functional and genetic evidence.

NM_003873.7(NRP1):c.1304T>A (p.Leu435Ter)

Gene: NRP1 (neuropilin 1; minus strand). Cytogenetic location: 10p11.22.
Variant type: single nucleotide variant.
Coding change: c.1304T>A on transcript NM_003873.7 (MANE Select); coding-DNA position 1304, T replaced by A.
Protein change: p.Leu435Ter; replaces leucine 435 with a stop codon.
Molecular consequence: nonsense. On other transcripts: non-coding transcript variant (1).
Genome position (GRCh38, 1-based): chr10:33,213,696, A>T on the plus strand (T>A on the coding strand, the complement: NRP1 is on the minus strand). VCF-style: chr10-33213696-A-T. GRCh37 (hg19) VCF-style: chr10-33502624-A-T.
Other names: c.1304T>A, p.Leu435Ter (NM_001024628.3, NM_001024629.3, NM_001244972.2 and 2 more transcripts); short protein forms L435*.
Identifiers: ClinVar variation 4986364 (VCV004986364.1).
Genomic context (GRCh38, chr10:33,213,696, plus strand): 5'-CTGTCCCCTTGGTTGGATGATGTGATCTGGGAGTCAGAAATAAGTCCAGACACCATACCC[A>T]ACATTCCAGAGCAAGGATAATCTGGGAAGTGAAATGAAACAGATAATGTAAAATGATTTC-3'